The following is an entry in ClinVar:

ClinVar aggregate classification (germline): Conflicting classifications of pathogenicity. Review status: criteria provided, conflicting classifications (1 of 4 stars). 4 submissions from 4 submitters: Likely pathogenic (2); Uncertain significance (2). Last evaluated 2026-01-27.

Conditions:
KCNJ11-related disorder. Also called: KCNJ11-related condition; KCNJ11-related disorders.
Maturity-onset diabetes of the young (MODY). Also called: Maturity onset diabetes mellitus in young. Identifiers: Orphanet 552, MedGen C0342276, MONDO:0018911, HP:0004904.
Type 2 diabetes mellitus. Also called: Type II diabetes mellitus. Identifiers: MedGen C0011860, MeSH D003924, MONDO:0005148, OMIM 125853, HP:0005978.
Hyperinsulinemic hypoglycemia, familial, 2. Also called: HYPERINSULINEMIC HYPOGLYCEMIA, PERSISTENT; HYPERINSULINISM, NEONATAL. Identifiers: Orphanet 276580, Orphanet 276603, MedGen C2931833, MONDO:0011153, OMIM 601820. Disease mechanism: loss of function.

Submissions (4):

PreventionGenetics, part of Exact Sciences
Classification: Uncertain significance for KCNJ11-related condition. Last evaluated: 2026-01-27. Review status: criteria provided, single submitter. Criteria: ACMG Guidelines, 2015. Collection method: clinical testing. Allele origin: germline.
Comment: The KCNJ11 c.866G>C variant is predicted to result in the amino acid substitution p.Gly289Ala. This variant has been reported in at least one individual with hyperinsulinism (De Franco et al. 2020. PubMed ID: 32027066). This variant has not been reported in a large population database (gnomAD), indicating it is rare. An alternate missense change impacting the same amino acid (p.Gly289Val) has been reported to have occurred apparently de novo in an individual with neonatal-onset congenital hyperinsulinism (Mohnike et al. 2014. PubMed ID: 24401662). Although we suspect that this variant may be pathogenic, at this time, the clinical significance of this variant is uncertain due to the absence of conclusive functional and genetic evidence.

Baylor Genetics
Classification: Likely pathogenic for Type 2 diabetes mellitus. Last evaluated: 2023-06-19. Review status: criteria provided, single submitter. Criteria: ACMG Guidelines, 2015. Collection method: clinical testing. Allele origin: unknown.

Genetic Services Laboratory, University of Chicago
Classification: Likely pathogenic for Hyperinsulinemic hypoglycemia, familial, 2. Last evaluated: 2015-01-09. Review status: criteria provided, single submitter. Criteria: ACMG Guidelines, 2015. Collection method: clinical testing. Allele origin: germline. Affected: yes.

Clinical Genomics, Uppaluri K&H Personalized Medicine Clinic
Classification: Uncertain significance for Maturity-onset diabetes of the young. Review status: criteria provided, single submitter. Criteria: K&H Uppaluri Personalized Medicine Clinic Variant Classification & Assertion Criteria. Collection method: research. Allele origin: somatic. Inheritance: Autosomal dominant inheritance.
Comment: Mutations in KCNJ11 gene can cause decreased production and secretion of insulin. This can lead to MODY which may be responsive to oral sulfonylureas. It is also associated with Neonatal Diabetes. However, no sufficient evidence is found to ascertain the role of rs797045637 variant in MODY yet.

Literature cited by the submitters: PubMed 26448950 (cited by Clinical Genomics, Uppaluri K&H Personalized Medicine Clinic); PubMed 15580558 (cited by Clinical Genomics, Uppaluri K&H Personalized Medicine Clinic); PubMed 15718250 (cited by Clinical Genomics, Uppaluri K&H Personalized Medicine Clinic); PubMed 32935446 (cited by Clinical Genomics, Uppaluri K&H Personalized Medicine Clinic); PubMed 22701567 (cited by Clinical Genomics, Uppaluri K&H Personalized Medicine Clinic).

NM_000525.4(KCNJ11):c.866G>C (p.Gly289Ala)

Gene: KCNJ11 (potassium inwardly rectifying channel subfamily J member 11; minus strand). Cytogenetic location: 11p15.1.
Variant type: single nucleotide variant.
Coding change: c.866G>C on transcript NM_000525.4 (MANE Select); coding-DNA position 866, G replaced by C.
Protein change: p.Gly289Ala; replaces glycine 289 with alanine.
Molecular consequence: missense variant.
Genome position (GRCh38, 1-based): chr11:17,387,226, C>G on the plus strand (G>C on the coding strand, the complement: KCNJ11 is on the minus strand). VCF-style: chr11-17387226-C-G. GRCh37 (hg19) VCF-style: chr11-17408773-C-G.
Other names: c.605G>C, p.Gly202Ala (NM_001166290.2, NM_001377296.1, NM_001377297.1); short protein forms G289A, G202A.
Identifiers: ClinVar variation 211228 (VCV000211228.9), dbSNP rs797045637, ClinGen allele CA277103.
Genomic context (GRCh38, chr11:17,387,226, plus strand): 5'-ATCTCATCGGCCAGGTAGGAGGTGCGGGCCTGGGTGGTGATGCCCGTGGTTTCCACCACG[C>G]CTTCCAGGATGACGATGATCTCGAGGTCCTGGTGGTGGTGCAGGTCGCTGGGTGCCAGGT-3'
Protein context (NP_000516.3, residues 279-299): QDLEIIVILE[Gly289Ala]VVETTGITTQ